The following is an entry in ClinVar:

NM_015331.3(NCSTN):c.191-3C>T

Gene: NCSTN (nicastrin; plus strand). Cytogenetic location: 1q23.2.
Variant type: single nucleotide variant.
Coding change: c.191-3C>T on transcript NM_015331.3 (MANE Select); 3 bases into the intron before coding-DNA position 191, C replaced by T.
Molecular consequence: intron variant.
Genome position (GRCh38, 1-based): chr1:160,348,996, C>T. VCF-style: chr1-160348996-C-T. GRCh37 (hg19) VCF-style: chr1-160318786-C-T.
Other names: c.131-3C>T (NM_001290184.2); c.191-3C>T (NM_001349729.2, NM_001290186.2).
Identifiers: ClinVar variation 2012322 (VCV002012322.4), dbSNP rs2525516361, ClinGen allele CA2580061261.
Genomic context (GRCh38, chr1:160,348,996, plus strand): 5'-AGTGAGGCAAAGTCAGAATTGTTAACTATGGGAGCTTTAATTTGACTCATTCTGTCCTGG[C>T]AGCTTCAATTAGTGGAGACACAGGGGTTATCCACGTAGTAGAGAAAGAGGAGGACCTACA-3'

ClinVar aggregate classification (germline): Uncertain significance (1 of 4 stars; one submission).

Submission:

Labcorp Genetics (formerly Invitae), Labcorp
Classification: Uncertain significance. Last evaluated: 2022-07-16. Review status: criteria provided, single submitter. Criteria: Invitae Variant Classification Sherloc (09022015). Collection method: clinical testing. Allele origin: germline.
Comment: This sequence change falls in intron 2 of the NCSTN gene. It does not directly change the encoded amino acid sequence of the NCSTN protein. It affects a nucleotide within the consensus splice site. This variant is not present in population databases (gnomAD no frequency). This variant has not been reported in the literature in individuals affected with NCSTN-related conditions. Variants that disrupt the consensus splice site are a relatively common cause of aberrant splicing (PMID: 17576681, 9536098). Algorithms developed to predict the effect of sequence changes on RNA splicing suggest that this variant may disrupt the consensus splice site. In summary, the available evidence is currently insufficient to determine the role of this variant in disease. Therefore, it has been classified as a Variant of Uncertain Significance.

Literature cited by the submitters: PubMed 17576681; PubMed 9536098.